The following is an entry in ClinVar:

ClinVar aggregate classification (germline): Pathogenic (1 of 4 stars; one submission).

Conditions:
Hereditary spastic paraplegia 11. Also called: Spastic paraplegia, mental retardation and thin corpus callosum; SPASTIC PARAPLEGIA, AUTOSOMAL RECESSIVE, COMPLICATED, WITH THIN CORPUS CALLOSUM; SPASTIC PARAPLEGIA, AUTOSOMAL RECESSIVE, WITH MENTAL IMPAIRMENT AND THIN CORPUS CALLOSUM; Spastic Paraplegia 11; Nakamura Osame syndrome; Autosomal recessive hereditary spastic paraplegia, mental impairment, and thin corpus callosum. Identifiers: Orphanet 2822, MedGen C1858479, MONDO:0011445, OMIM 604360.

Submission:

Labcorp Genetics (formerly Invitae), Labcorp
Classification: Pathogenic for Hereditary spastic paraplegia 11. Last evaluated: 2023-07-17. Review status: criteria provided, single submitter. Criteria: Invitae Variant Classification Sherloc (09022015). Collection method: clinical testing. Allele origin: germline.
Comment: ClinVar contains an entry for this variant (Variation ID: 2417767). For these reasons, this variant has been classified as Pathogenic. This variant has not been reported in the literature in individuals affected with SPG11-related conditions. This variant is present in population databases (rs770761140, gnomAD 0.006%). This sequence change creates a premature translational stop signal (p.Lys1333Argfs*13) in the SPG11 gene. It is expected to result in an absent or disrupted protein product. Loss-of-function variants in SPG11 are known to be pathogenic (PMID: 19105190, 20110243, 22154821, 26556829).

Literature cited by the submitters: PubMed 19105190; PubMed 20110243; PubMed 22154821; PubMed 26556829.

NM_025137.4(SPG11):c.3998del (p.Lys1333fs)

Gene: SPG11 (SPG11 vesicle trafficking associated, spatacsin; minus strand). Cytogenetic location: 15q21.1.
Variant type: Deletion.
Coding change: c.3998del on transcript NM_025137.4 (MANE Select); coding-DNA position 3998, one base deleted (A; older notation c.3998delA).
Protein change: p.Lys1333fs; shifts the reading frame from lysine 1333.
Molecular consequence: frameshift variant.
Genome position (GRCh38, 1-based): chr15:44,598,268, T deleted on the plus strand (A on the coding strand, the reverse complement: SPG11 is on the minus strand); the first of 3 consecutive T bases (chr15:44,598,268-44,598,270); deleting any one gives the same sequence. VCF-style (leftmost placement, unchanged base first): chr15-44598267-CT-C. GRCh37 (hg19) VCF-style: chr15-44890465-CT-C.
Other names: c.3998del, p.Lys1333fs (NM_001160227.2); c.3996delA, p.Lys1333Argfs (NM_001411132.1); short protein forms K1333fs.
Identifiers: ClinVar variation 2417767 (VCV002417767.6), dbSNP rs770761140, ClinGen allele CA7534799.